The following is an entry in ClinVar:

ClinVar aggregate classification (germline): Uncertain significance (1 of 4 stars; one submission).

Allele frequency attached by ClinVar (database versions not stated): gnomAD exomes below 0.00001; gnomAD 0.00001; TOPMed 0.00003.
gnomAD v4.1: 7 of 1,613,350 alleles (0.00043%); highest among the groups gnomAD compares: Admixed American, 0.0067%; no homozygotes.

Submission:

Labcorp Genetics (formerly Invitae), Labcorp
Classification: Uncertain significance. Last evaluated: 2022-10-25. Review status: criteria provided, single submitter. Criteria: Invitae Variant Classification Sherloc (09022015). Collection method: clinical testing. Allele origin: germline.
Comment: ClinVar contains an entry for this variant (Variation ID: 1523691). This sequence change replaces isoleucine, which is neutral and non-polar, with methionine, which is neutral and non-polar, at codon 930 of the RBP3 protein (p.Ile930Met). This variant is not present in population databases (gnomAD no frequency). This variant has not been reported in the literature in individuals affected with RBP3-related conditions. Algorithms developed to predict the effect of missense changes on protein structure and function are either unavailable or do not agree on the potential impact of this missense change (SIFT: "Deleterious"; PolyPhen-2: "Benign"; Align-GVGD: "Class C0"). In summary, the available evidence is currently insufficient to determine the role of this variant in disease. Therefore, it has been classified as a Variant of Uncertain Significance.

NM_002900.3(RBP3):c.2790A>G (p.Ile930Met)

Gene: RBP3 (retinol binding protein 3; plus strand). Cytogenetic location: 10q11.22.
Variant type: single nucleotide variant.
Coding change: c.2790A>G on transcript NM_002900.3 (MANE Select); coding-DNA position 2790, A replaced by G.
Protein change: p.Ile930Met; replaces isoleucine 930 with methionine.
Molecular consequence: missense variant.
Genome position (GRCh38, 1-based): chr10:47,351,274, A>G. VCF-style: chr10-47351274-A-G. GRCh37 (hg19) VCF-style: chr10-48388088-T-C.
Other names: short protein forms I930M.
Identifiers: ClinVar variation 1523691 (VCV001523691.7), dbSNP rs1836969057, ClinGen allele CA376675050.